The following is an entry in ClinVar:

ClinVar aggregate classification (germline): Uncertain significance (1 of 4 stars; one submission).

Conditions:
Baller-Gerold syndrome (BGS). Also called: CRANIOSYNOSTOSIS WITH RADIAL DEFECTS. Identifiers: Orphanet 1225, MedGen C0265308, MONDO:0009039, OMIM 218600.

Submission:

Labcorp Genetics (formerly Invitae), Labcorp
Classification: Uncertain significance for Baller-Gerold syndrome. Last evaluated: 2023-04-24. Review status: criteria provided, single submitter. Criteria: Invitae Variant Classification Sherloc (09022015). Collection method: clinical testing. Allele origin: germline.
Comment: This sequence change replaces aspartic acid, which is acidic and polar, with glycine, which is neutral and non-polar, at codon 30 of the RECQL4 protein (p.Asp30Gly). In summary, the available evidence is currently insufficient to determine the role of this variant in disease. Therefore, it has been classified as a Variant of Uncertain Significance. Experimental studies and prediction algorithms are not available or were not evaluated, and the functional significance of this variant is currently unknown. This variant has not been reported in the literature in individuals affected with RECQL4-related conditions. This variant is not present in population databases (gnomAD no frequency).

NM_004260.4(RECQL4):c.89A>G (p.Asp30Gly)

Genes: RECQL4 (RecQ like helicase 4; minus strand), LOC130001411 (ATAC-STARR-seq lymphoblastoid silent region 19699; plus strand). Cytogenetic location: 8q24.3.
Variant type: single nucleotide variant.
Coding change: c.89A>G on transcript NM_004260.4 (MANE Select); coding-DNA position 89, A replaced by G.
Protein change: p.Asp30Gly; replaces aspartic acid 30 with glycine.
Molecular consequence: missense variant. On other transcripts: 5 prime UTR variant (17), non-coding transcript variant (3), intron variant (1).
Genome position (GRCh38, 1-based): chr8:144,517,631, T>C on the plus strand (A>G on the coding strand, the complement: RECQL4 is on the minus strand). VCF-style: chr8-144517631-T-C. GRCh37 (hg19) VCF-style: chr8-145743015-T-C.
Other names: c.89A>G, p.Asp30Gly (NM_001413017.1, NM_001413018.1, NM_001413019.1 and 5 more transcripts); c.-632A>G (NM_001413021.1); c.-983A>G (NM_001413022.1, NM_001413023.1, NM_001413037.1 and 2 more transcripts); c.-880A>G (NM_001413024.1, NM_001413035.1); c.-1045A>G (NM_001413027.1, NM_001413030.1, NM_001413031.1 and 1 more transcripts); c.-708A>G (NM_001413028.1); c.-942A>G (NM_001413032.1); c.-887A>G (NM_001413034.1); and 3 more; short protein forms D30G.
Identifiers: ClinVar variation 2858748 (VCV002858748.3), dbSNP rs2538129846, ClinGen allele CA372693537.